The following is an entry in ClinVar:

NM_144687.4(NLRP12):c.2534G>A (p.Arg845Lys)

Gene: NLRP12 (NLR family pyrin domain containing 12; minus strand). Cytogenetic location: 19q13.42.
Variant type: single nucleotide variant.
Coding change: c.2534G>A on transcript NM_144687.4 (MANE Select); coding-DNA position 2534, G replaced by A.
Protein change: p.Arg845Lys; replaces arginine 845 with lysine.
Molecular consequence: missense variant.
Genome position (GRCh38, 1-based): chr19:53,804,003, C>T on the plus strand (G>A on the coding strand, the complement: NLRP12 is on the minus strand). VCF-style: chr19-53804003-C-T. GRCh37 (hg19) VCF-style: chr19-54307257-C-T.
Other names: c.2537G>A, p.Arg846Lys (NM_001277126.2); c.2534G>A, p.Arg845Lys (NM_001277129.1); short protein forms R846K, R845K.
Identifiers: ClinVar variation 2782547 (VCV002782547.3), dbSNP rs2514276477, ClinGen allele CA407409408.

ClinVar aggregate classification (germline): Uncertain significance (1 of 4 stars; one submission).

Conditions:
Familial cold autoinflammatory syndrome 2 (FCAS2). Identifiers: Orphanet 247868, MedGen C2673198, MONDO:0012724, OMIM 611762.

Allele frequency attached by ClinVar (database versions not stated): gnomAD exomes 0.00001.
gnomAD v4.1: 4 of 1,614,146 alleles (0.00025%); highest among the groups gnomAD compares: Middle Eastern, 0.016%; no homozygotes.

Submission:

Labcorp Genetics (formerly Invitae), Labcorp
Classification: Uncertain significance for Familial cold autoinflammatory syndrome 2. Last evaluated: 2023-11-06. Review status: criteria provided, single submitter. Criteria: Invitae Variant Classification Sherloc (09022015). Collection method: clinical testing. Allele origin: germline.
Comment: This sequence change replaces arginine, which is basic and polar, with lysine, which is basic and polar, at codon 845 of the NLRP12 protein (p.Arg845Lys). This variant is not present in population databases (gnomAD no frequency). This variant has not been reported in the literature in individuals affected with NLRP12-related conditions. Advanced modeling of protein sequence and biophysical properties (such as structural, functional, and spatial information, amino acid conservation, physicochemical variation, residue mobility, and thermodynamic stability) performed at Invitae indicates that this missense variant is not expected to disrupt NLRP12 protein function with a negative predictive value of 80%. In summary, the available evidence is currently insufficient to determine the role of this variant in disease. Therefore, it has been classified as a Variant of Uncertain Significance.